The following is an entry in ClinVar:

ClinVar aggregate classification (germline): Uncertain significance. Review status: criteria provided, multiple submitters, no conflicts (2 of 4 stars). 2 submissions from 2 submitters: Uncertain significance (2). Last evaluated 2024-02-08.

Conditions:
Combined immunodeficiency due to LRBA deficiency. Also called: Common variable immunodeficiency 8, with autoimmunity. Identifiers: Orphanet 445018, MedGen C3553512, MONDO:0013863, OMIM 614700.

Allele frequency attached by ClinVar (database versions not stated): gnomAD 0.00004 and 0.00003; ESP Exome Variant Server 0.00008; gnomAD exomes 0.00008 and 0.00002; ExAC 0.00001; TOPMed 0.00002.
gnomAD v4.1: 112 of 1,608,694 alleles (0.007%); highest among the groups gnomAD compares: Non-Finnish European, 0.0088%; no homozygotes.

Submissions (2):

Mayo Clinic Laboratories, Mayo Clinic
Classification: Uncertain significance. Last evaluated: 2024-02-08. Review status: criteria provided, single submitter. Criteria: ACMG Guidelines, 2015. Collection method: clinical testing. Allele origin: germline. Observed: 1 variant allele.
Comment: BP4

Labcorp Genetics (formerly Invitae), Labcorp
Classification: Uncertain significance for Combined immunodeficiency due to LRBA deficiency. Last evaluated: 2022-05-31. Review status: criteria provided, single submitter. Criteria: Invitae Variant Classification Sherloc (09022015). Collection method: clinical testing. Allele origin: germline.
Comment: This sequence change replaces proline, which is neutral and non-polar, with serine, which is neutral and polar, at codon 2083 of the LRBA protein (p.Pro2083Ser). This variant is present in population databases (rs140681994, gnomAD 0.003%). This variant has not been reported in the literature in individuals affected with LRBA-related conditions. ClinVar contains an entry for this variant (Variation ID: 571369). Algorithms developed to predict the effect of missense changes on protein structure and function are either unavailable or do not agree on the potential impact of this missense change (SIFT: "Tolerated"; PolyPhen-2: "Possibly Damaging"; Align-GVGD: "Class C0"). In summary, the available evidence is currently insufficient to determine the role of this variant in disease. Therefore, it has been classified as a Variant of Uncertain Significance.

NM_001364905.1(LRBA):c.6214C>T (p.Pro2072Ser)

Gene: LRBA (LPS responsive beige-like anchor protein; minus strand). Cytogenetic location: 4q31.3.
Variant type: single nucleotide variant.
Coding change: c.6214C>T on transcript NM_001364905.1 (MANE Select); coding-DNA position 6214, C replaced by T.
Protein change: p.Pro2072Ser; replaces proline 2072 with serine.
Molecular consequence: missense variant.
Genome position (GRCh38, 1-based): chr4:150,588,164, G>A on the plus strand (C>T on the coding strand, the complement: LRBA is on the minus strand). VCF-style: chr4-150588164-G-A. GRCh37 (hg19) VCF-style: chr4-151509316-G-A.
Other names: p.Pro2083Ser; c.6214C>T, p.Pro2072Ser (NM_001199282.3, NM_001367550.1); c.6247C>T, p.Pro2083Ser (NM_006726.5); short protein forms P2083S, P2072S.
Identifiers: ClinVar variation 571369 (VCV000571369.5), dbSNP rs140681994, ClinGen allele CA3102173.